The following is an entry in ClinVar:

ClinVar aggregate classification (germline): Uncertain significance (1 of 4 stars; one submission).

Submission:

GeneDx
Classification: Uncertain significance. Last evaluated: 2023-02-04. Review status: criteria provided, single submitter. Criteria: GeneDx Variant Classification Process June 2021. Collection method: clinical testing. Allele origin: germline. Affected: yes.
Comment: Not observed at significant frequency in large population cohorts (gnomAD); In silico analysis supports that this missense variant has a deleterious effect on protein structure/function; Has not been previously published as pathogenic or benign to our knowledge

NM_020806.5(GPHN):c.2083T>C (p.Ser695Pro)

Gene: GPHN (gephyrin; plus strand). Cytogenetic location: 14q23.3.
Variant type: single nucleotide variant.
Coding change: c.2083T>C on transcript NM_020806.5 (MANE Select); coding-DNA position 2083, T replaced by C.
Protein change: p.Ser695Pro; replaces serine 695 with proline.
Molecular consequence: missense variant.
Genome position (GRCh38, 1-based): chr14:67,179,581, T>C. VCF-style: chr14-67179581-T-C. GRCh37 (hg19) VCF-style: chr14-67646298-T-C.
Other names: c.1984T>C, p.Ser662Pro (NM_001024218.2); c.2143T>C, p.Ser715Pro (NM_001377514.1); c.2113T>C, p.Ser705Pro (NM_001377515.1); c.2104T>C, p.Ser702Pro (NM_001377516.1); c.2056T>C, p.Ser686Pro (NM_001377517.1); c.2041T>C, p.Ser681Pro (NM_001377518.1); c.2023T>C, p.Ser675Pro (NM_001377519.1); short protein forms S662P, S675P, S681P, S686P, S695P, S702P, S705P, S715P.
Identifiers: ClinVar variation 2574901 (VCV002574901.1), dbSNP rs2544477973, ClinGen allele CA390122252.
Genomic context (GRCh38, chr14:67,179,581, plus strand): 5'-ATTTTTGTGAGATGATCAGGTGACCAAGTTTGTTTTCTTTTCTACTTTATTCTGTAGTTA[T>C]CATGTGATGTAAAACTTGATCCTCGTCCAGAATACCATCGGTGTATACTAACTTGGCATC-3'
Protein context (NP_065857.1, residues 685-705): PRPTIIKARL[Ser695Pro]CDVKLDPRPE